The following is an entry in ClinVar:

ClinVar aggregate classification (germline): Pathogenic/Likely pathogenic. Review status: criteria provided, multiple submitters, no conflicts (2 of 4 stars). 2 submissions from 2 submitters: Pathogenic (1); Likely pathogenic (1). Last evaluated 2025-05-12.

Conditions:
Methylmalonic aciduria due to complete methylmalonyl-CoA mutase deficiency.

Allele frequency attached by ClinVar (database versions not stated): ExAC 0.00001; gnomAD 0.00001; 1000 Genomes Project 30x 0.00016; 1000 Genomes Project 0.00020; gnomAD exomes below 0.00001.
gnomAD v4.1: 2 of 1,612,770 alleles (0.00012%); highest among the groups gnomAD compares: African/African-American, 0.0027%; no homozygotes.

Submissions (3):

Natera, Inc.
Classification: Likely pathogenic for Methylmalonic aciduria due to complete methylmalonyl-CoA mutase deficiency. Last evaluated: 2025-05-12. Review status: criteria provided, single submitter. Criteria: Natera Variant Classification Schema (03/2026). Collection method: clinical testing. Allele origin: germline.
Comment: The c.2124+1G>A variant in MMUT is a canonical splice donor site variant predicted to affect pre-mRNA splicing, which may result in an abnormal transcript and altered protein product. This variant is expected to result in nonsense mediated decay, truncation, or a dysfunctional protein product. This variant is rare in the general population with a frequency below the threshold expected for the associated phenotype(s). This variant has been observed in one or more individuals affected with the associated recessive disease, as either homozygous or compound heterozygous with a second variant (PMID: 15643616). Given the available evidence, this variant is classified as Likely Pathogenic.

Labcorp Genetics (formerly Invitae), Labcorp
Classification: Pathogenic. Last evaluated: 2023-01-26. Review status: criteria provided, single submitter. Criteria: Invitae Variant Classification Sherloc (09022015). Collection method: clinical testing. Allele origin: germline.
Comment: For these reasons, this variant has been classified as Pathogenic. This variant disrupts a region of the MUT protein in which other variant(s) (p.Gln734*) have been determined to be pathogenic (PMID: 26318470, 26615597, 27167370). This suggests that this is a clinically significant region of the protein, and that variants that disrupt it are likely to be disease-causing. Variants that disrupt the consensus splice site are a relatively common cause of aberrant splicing (PMID: 17576681, 9536098). Algorithms developed to predict the effect of sequence changes on RNA splicing suggest that this variant may disrupt the consensus splice site. Disruption of this splice site has been observed in individual(s) with methylmalonic aciduria (PMID: 15643616). This variant is present in population databases (rs543029288, gnomAD 0.007%). This sequence change affects a donor splice site in intron 12 of the MUT gene. While this variant is not anticipated to result in nonsense mediated decay, it likely alters RNA splicing and results in a disrupted protein product.

Dr. Peter K. Rogan Lab, Western University
No classification provided (evidence only). Condition: Lung cancer. Review status: no classification provided. Collection method: in vitro. Allele origin: not applicable. Functional consequence: skipped exon, retained intron. Not counted in ClinVar's aggregate classification.

Literature cited by the submitters: PubMed 15643616 (cited by Natera, Inc. and Labcorp Genetics (formerly Invitae), Labcorp); PubMed 26318470 (cited by Labcorp Genetics (formerly Invitae), Labcorp); PubMed 26615597 (cited by Labcorp Genetics (formerly Invitae), Labcorp); PubMed 27167370 (cited by Labcorp Genetics (formerly Invitae), Labcorp); PubMed 17576681 (cited by Labcorp Genetics (formerly Invitae), Labcorp); PubMed 9536098 (cited by Labcorp Genetics (formerly Invitae), Labcorp).

NM_000255.4(MMUT):c.2124+1G>A

Gene: MMUT (methylmalonyl-CoA mutase; minus strand). Cytogenetic location: 6p12.3.
Variant type: single nucleotide variant.
Coding change: c.2124+1G>A on transcript NM_000255.4 (MANE Select); the canonical splice donor site of the intron after coding-DNA position 2124, G replaced by A.
Molecular consequence: splice donor variant.
Genome position (GRCh38, 1-based): chr6:49,435,455, C>T on the plus strand (G>A on the coding strand, the complement: MMUT is on the minus strand). VCF-style: chr6-49435455-C-T. GRCh37 (hg19) VCF-style: chr6-49403168-C-T.
Other names: c.2124+1G>A (NM_000255.3).
Identifiers: ClinVar variation 2734884 (VCV002734884.5), dbSNP rs543029288, ClinGen allele CA3846662.